The following is an entry in ClinVar:

NM_001379500.1(COL18A1):c.798+1G>T

Gene: COL18A1 (collagen type XVIII alpha 1 chain; plus strand). Cytogenetic location: 21q22.3.
Variant type: single nucleotide variant.
Coding change: c.798+1G>T on transcript NM_001379500.1 (MANE Select); the canonical splice donor site of the intron after coding-DNA position 798, G replaced by T.
Molecular consequence: splice donor variant.
Genome position (GRCh38, 1-based): chr21:45,475,536, G>T. VCF-style: chr21-45475536-G-T. GRCh37 (hg19) VCF-style: chr21-46895450-G-T.
Other names: c.2043+1G>T (NM_130444.3); c.1338+1G>T (NM_030582.4).
Identifiers: ClinVar variation 2824556 (VCV002824556.4), dbSNP rs753984170, ClinGen allele CA10065901.

ClinVar aggregate classification (germline): Likely pathogenic. Review status: criteria provided, multiple submitters, no conflicts (2 of 4 stars). 2 submissions from 2 submitters: Likely pathogenic (2). Last evaluated 2023-05-17.

Conditions:
Knobloch syndrome 1 (KNO1). Identifiers: MedGen C4551775, MONDO:0800167, OMIM 267750.
Hereditary glaucoma, primary closed-angle. Also called: Glaucoma, primary closed-angle. Identifiers: MedGen C5394374, MONDO:0030038, OMIM 618880.

Allele frequency attached by ClinVar (database versions not stated): ExAC 0.00001.
gnomAD v4.1: 4 of 1,604,800 alleles (0.00025%); highest among the groups gnomAD compares: South Asian, 0.0045%; no homozygotes.

Submissions (2):

Department of Pathology and Laboratory Medicine, Sinai Health System
Classification: Likely pathogenic for Knobloch syndrome 1; Hereditary glaucoma, primary closed-angle. Last evaluated: 2023-05-17. Review status: criteria provided, single submitter. Criteria: ACMG Guidelines, 2015. Collection method: research. Allele origin: germline.

Labcorp Genetics (formerly Invitae), Labcorp
Classification: Likely pathogenic. Last evaluated: 2023-04-06. Review status: criteria provided, single submitter. Criteria: Invitae Variant Classification Sherloc (09022015). Collection method: clinical testing. Allele origin: germline.
Comment: This sequence change affects a donor splice site in intron 5 of the COL18A1 gene. It is expected to disrupt RNA splicing. Variants that disrupt the donor or acceptor splice site typically lead to a loss of protein function (PMID: 16199547), and loss-of-function variants in COL18A1 are known to be pathogenic (PMID: 12415512, 25456301). The frequency data for this variant in the population databases is considered unreliable, as metrics indicate poor data quality at this position in the gnomAD database. This variant has not been reported in the literature in individuals affected with COL18A1-related conditions. Algorithms developed to predict the effect of sequence changes on RNA splicing suggest that this variant may disrupt the consensus splice site. In summary, the currently available evidence indicates that the variant is pathogenic, but additional data are needed to prove that conclusively. Therefore, this variant has been classified as Likely Pathogenic.

Literature cited by the submitters: PubMed 16199547 (cited by Labcorp Genetics (formerly Invitae), Labcorp); PubMed 12415512 (cited by Labcorp Genetics (formerly Invitae), Labcorp); PubMed 25456301 (cited by Labcorp Genetics (formerly Invitae), Labcorp).